The following is an entry in ClinVar:

ClinVar aggregate classification (germline): Uncertain significance (1 of 4 stars; one submission).

Conditions:
Neuroblastoma, susceptibility to, 3. Also called: ALK-Related Neuroblastic Tumor Susceptibility. Identifiers: Orphanet 635, MedGen C2751681, MONDO:0013083, OMIM 613014.

Allele frequency attached by ClinVar (database versions not stated): TOPMed below 0.00001; gnomAD 0.00001.
gnomAD v4.1: 1 of 1,614,012 alleles (0.000062%); highest among the groups gnomAD compares: Non-Finnish European, 0.000085%; no homozygotes.

Submission:

Labcorp Genetics (formerly Invitae), Labcorp
Classification: Uncertain significance for Neuroblastoma, susceptibility to, 3. Last evaluated: 2025-05-11. Review status: criteria provided, single submitter. Criteria: Invitae Variant Classification Sherloc (09022015). Collection method: clinical testing. Allele origin: germline.
Comment: This sequence change replaces valine, which is neutral and non-polar, with alanine, which is neutral and non-polar, at codon 1476 of the ALK protein (p.Val1476Ala). This variant is not present in population databases (gnomAD no frequency). This variant has not been reported in the literature in individuals affected with ALK-related conditions. ClinVar contains an entry for this variant (Variation ID: 657804). An algorithm developed to predict the effect of missense changes on protein structure and function (PolyPhen-2) suggests that this variant is likely to be tolerated. In summary, the available evidence is currently insufficient to determine the role of this variant in disease. Therefore, it has been classified as a Variant of Uncertain Significance.

NM_004304.5(ALK):c.4427T>C (p.Val1476Ala)

Gene: ALK (ALK receptor tyrosine kinase; minus strand). Cytogenetic location: 2p23.2.
Variant type: single nucleotide variant.
Coding change: c.4427T>C on transcript NM_004304.5 (MANE Select); coding-DNA position 4427, T replaced by C.
Protein change: p.Val1476Ala; replaces valine 1476 with alanine.
Molecular consequence: missense variant.
Genome position (GRCh38, 1-based): chr2:29,193,660, A>G on the plus strand (T>C on the coding strand, the complement: ALK is on the minus strand). VCF-style: chr2-29193660-A-G. GRCh37 (hg19) VCF-style: chr2-29416526-A-G.
Other names: c.1223T>C, p.Val408Ala (NM_001353765.2); short protein forms V408A, V1476A.
Identifiers: ClinVar variation 657804 (VCV000657804.8), dbSNP rs1329539708, ClinGen allele CA346462131.
Genomic context (GRCh38, chr2:29,193,660, plus strand): 5'-CTGGATCCGTGGACCTTGTGCAACTCCGAAGGAGGGTTGGACTGAGAGAATGCCATATTC[A>G]CGTGTCCCCCTTCCACGGCCGGCCCTCTAGGGACTCGAACAGAGATCTCTGCAGCTGTGG-3'
Protein context (NP_004295.2, residues 1466-1486): PRGPAVEGGH[Val1476Ala]NMAFSQSNPP